The following is an entry in ClinVar:

ClinVar aggregate classification (germline): Uncertain significance. Review status: criteria provided, multiple submitters, no conflicts (2 of 4 stars). 2 submissions from 2 submitters: Uncertain significance (2). Last evaluated 2025-10-02.

Conditions:
Orthostatic hypotension 1 (ORTHYP1). Also called: NORADRENALINE DEFICIENCY; NOREPINEPHRINE DEFICIENCY; Orthostatic hypotension 1, due to DBH deficiency; Dopamine beta-hydroxylase deficiency. Identifiers: Orphanet 230, MedGen C4746777, MONDO:0009123, OMIM 223360.

Allele frequency attached by ClinVar (database versions not stated): TOPMed 0.00010; 1000 Genomes Project 0.00020; 1000 Genomes Project 30x 0.00031.
gnomAD v4.1: 105 of 1,610,128 alleles (0.0065%); highest among the groups gnomAD compares: African/African-American, 0.056%; 1 homozygote.

Submissions (2):

Labcorp Genetics (formerly Invitae), Labcorp
Classification: Uncertain significance for Orthostatic hypotension 1. Last evaluated: 2025-10-02. Review status: criteria provided, single submitter. Criteria: Invitae Variant Classification Sherloc (09022015). Collection method: clinical testing. Allele origin: germline.
Comment: This sequence change replaces arginine, which is basic and polar, with serine, which is neutral and polar, at codon 6 of the DBH protein (p.Arg6Ser). This variant is present in population databases (rs111514228, gnomAD 0.02%). This variant has not been reported in the literature in individuals affected with DBH-related conditions. ClinVar contains an entry for this variant (Variation ID: 914483). An algorithm developed to predict the effect of missense changes on protein structure and function (PolyPhen-2) suggests that this variant is likely to be tolerated. In summary, the available evidence is currently insufficient to determine the role of this variant in disease. Therefore, it has been classified as a Variant of Uncertain Significance.

Illumina Laboratory Services, Illumina
Classification: Uncertain significance for Orthostatic hypotension 1. Last evaluated: 2018-01-12. Review status: criteria provided, single submitter. Criteria: ICSL Variant Classification Criteria 13 December 2019. Collection method: clinical testing. Allele origin: germline.

NM_000787.4(DBH):c.16C>A (p.Arg6Ser)

Gene: DBH (dopamine beta-hydroxylase; plus strand). Cytogenetic location: 9q34.2.
Variant type: single nucleotide variant.
Coding change: c.16C>A on transcript NM_000787.4 (MANE Select); coding-DNA position 16, C replaced by A.
Protein change: p.Arg6Ser; replaces arginine 6 with serine.
Molecular consequence: missense variant.
Genome position (GRCh38, 1-based): chr9:133,636,387, C>A. VCF-style: chr9-133636387-C-A. GRCh37 (hg19) VCF-style: chr9-136501509-C-A.
Other names: short protein forms R6S.
Identifiers: ClinVar variation 914483 (VCV000914483.8), dbSNP rs111514228, ClinGen allele CA5312928.